The following is an entry in ClinVar:

ClinVar aggregate classification (germline): Conflicting classifications of pathogenicity. Review status: criteria provided, conflicting classifications (1 of 4 stars). 2 submissions from 2 submitters: Uncertain significance (1); Likely benign (1). Last evaluated 2024-06-03.

Conditions:
Fraser syndrome 2 (FRASRS2). Identifiers: MedGen C4540036, MONDO:0054738, OMIM 617666.
Isolated cryptophthalmia. Also called: Cryptophthalmos, unilateral or bilateral, isolated; ANKYLOBLEPHARON, SIMPLE. Identifiers: Orphanet 91396, MedGen C1852453, MONDO:0007410, OMIM 123570.

Allele frequency attached by ClinVar (database versions not stated): TOPMed 0.00009; ExAC 0.00010; gnomAD 0.00011; 1000 Genomes Project 30x 0.00031; ESP Exome Variant Server 0.00031; 1000 Genomes Project 0.00040.

Submissions (2):

Labcorp Genetics (formerly Invitae), Labcorp
Classification: Uncertain significance. Last evaluated: 2024-06-03. Review status: criteria provided, single submitter. Criteria: Invitae Variant Classification Sherloc (09022015). Collection method: clinical testing. Allele origin: germline.
Comment: This sequence change replaces threonine, which is neutral and polar, with methionine, which is neutral and non-polar, at codon 2033 of the FREM2 protein (p.Thr2033Met). This variant is present in population databases (rs143791655, gnomAD 0.05%). This variant has not been reported in the literature in individuals affected with FREM2-related conditions. ClinVar contains an entry for this variant (Variation ID: 2067380). Algorithms developed to predict the effect of missense changes on protein structure and function output the following: SIFT: "Not Available"; PolyPhen-2: "Possibly Damaging"; Align-GVGD: "Not Available". The methionine amino acid residue is found in multiple mammalian species, which suggests that this missense change does not adversely affect protein function. In summary, the available evidence is currently insufficient to determine the role of this variant in disease. Therefore, it has been classified as a Variant of Uncertain Significance.

Fulgent Genetics
Classification: Likely benign for Isolated cryptophthalmia; Fraser syndrome 2. Last evaluated: 2024-04-11. Review status: criteria provided, single submitter. Criteria: ACMG Guidelines, 2015. Collection method: clinical testing. Allele origin: germline.

NM_207361.6(FREM2):c.6098C>T (p.Thr2033Met)

Gene: FREM2 (FRAS1 related extracellular matrix 2; plus strand). Cytogenetic location: 13q13.3.
Variant type: single nucleotide variant.
Coding change: c.6098C>T on transcript NM_207361.6 (MANE Select); coding-DNA position 6098, C replaced by T.
Protein change: p.Thr2033Met; replaces threonine 2033 with methionine.
Molecular consequence: missense variant.
Genome position (GRCh38, 1-based): chr13:38,846,651, C>T. VCF-style: chr13-38846651-C-T. GRCh37 (hg19) VCF-style: chr13-39420788-C-T.
Other names: short protein forms T2033M.
Identifiers: ClinVar variation 2067380 (VCV002067380.3), dbSNP rs143791655, ClinGen allele CA6955447.
Genomic context (GRCh38, chr13:38,846,651, plus strand): 5'-GTGATGTGGAATACTCTGTGGATGAGAGTGCTGGCTATGTGGAAGTGCAGGTGTGGAGAA[C>T]GGGCACTGACCTGTCCAAGTCTTCTAGTGTCACAGTGAGGTCTCGGAAAACAGATCCTCC-3'
Protein context (NP_997244.4, residues 2023-2043): AGYVEVQVWR[Thr2033Met]GTDLSKSSSV